The following is an entry in ClinVar:

ClinVar aggregate classification (germline): Uncertain significance. Review status: criteria provided, multiple submitters, no conflicts (2 of 4 stars). 2 submissions from 2 submitters: Uncertain significance (2). Last evaluated 2024-12-18.

Allele frequency attached by ClinVar (database versions not stated): gnomAD exomes below 0.00001.
gnomAD v4.1: 4 of 1,592,342 alleles (0.00025%); highest among the groups gnomAD compares: Non-Finnish European, 0.00034%; no homozygotes.

Submissions (2):

Labcorp Genetics (formerly Invitae), Labcorp
Classification: Uncertain significance. Last evaluated: 2024-12-18. Review status: criteria provided, single submitter. Criteria: Invitae Variant Classification Sherloc (09022015). Collection method: clinical testing. Allele origin: germline.
Comment: This sequence change replaces aspartic acid, which is acidic and polar, with glycine, which is neutral and non-polar, at codon 125 of the DSCAML1 protein (p.Asp125Gly). This variant is not present in population databases (gnomAD no frequency). This variant has not been reported in the literature in individuals affected with DSCAML1-related conditions. ClinVar contains an entry for this variant (Variation ID: 2988451). An algorithm developed to predict the effect of missense changes on protein structure and function (PolyPhen-2) suggests that this variant is likely to be disruptive. In summary, the available evidence is currently insufficient to determine the role of this variant in disease. Therefore, it has been classified as a Variant of Uncertain Significance.

Ambry Genetics
Classification: Uncertain significance. Last evaluated: 2024-04-09. Review status: criteria provided, single submitter. Criteria: Ambry Variant Classification Scheme 2023. Collection method: clinical testing. Allele origin: germline.

NM_020693.4(DSCAML1):c.194A>G (p.Asp65Gly)

Gene: DSCAML1 (DS cell adhesion molecule like 1; minus strand). Cytogenetic location: 11q23.3.
Variant type: single nucleotide variant.
Coding change: c.194A>G on transcript NM_020693.4 (MANE Select); coding-DNA position 194, A replaced by G.
Protein change: p.Asp65Gly; replaces aspartic acid 65 with glycine.
Molecular consequence: missense variant. On other transcripts: 5 prime UTR variant (1).
Genome position (GRCh38, 1-based): chr11:117,780,663, T>C on the plus strand (A>G on the coding strand, the complement: DSCAML1 is on the minus strand). VCF-style: chr11-117780663-T-C. GRCh37 (hg19) VCF-style: chr11-117651378-T-C.
Other names: c.374A>G (NM_020693.2); c.194A>G, p.Asp65Gly (NM_001367904.1); c.-215A>G (NM_001367905.1); short protein forms D65G.
Identifiers: ClinVar variation 2988451 (VCV002988451.4), dbSNP rs2496836807, ClinGen allele CA382760864.